The following is an entry in ClinVar:

NM_000116.5(TAFAZZIN):c.593G>A (p.Arg198His)

Gene: TAFAZZIN (tafazzin, phospholipid-lysophospholipid transacylase; plus strand). Cytogenetic location: Xq28.
Variant type: single nucleotide variant.
Coding change: c.593G>A on transcript NM_000116.5 (MANE Select); coding-DNA position 593, G replaced by A.
Protein change: p.Arg198His; replaces arginine 198 with histidine.
Molecular consequence: missense variant. On other transcripts: non-coding transcript variant (1).
Genome position (GRCh38, 1-based): chrX:154,420,041, G>A. VCF-style: chrX-154420041-G-A. GRCh37 (hg19) VCF-style: chrX-153648380-G-A.
Other names: c.605G>A, p.Arg202His (NM_001303465.2); c.503G>A, p.Arg168His (NM_181311.4); c.551G>A, p.Arg184His (NM_181312.4); c.461G>A, p.Arg154His (NM_181313.4); short protein forms R154H, R168H, R184H, R198H, R202H.
Identifiers: ClinVar variation 1062906 (VCV001062906.5), dbSNP rs371236390, ClinGen allele CA10562386.
Genomic context (GRCh38, chrX:154,420,041, plus strand): 5'-CTTGGCTCAGGGCCCAGCTTATGCTAACATTTCTACCTCCCCCCTGGGCAGGAATCGGGC[G>A]CCTGATTGCTGAGTGTCATCTCAACCCCATCATCCTGCCCCTGTGGCATGTCGGTGAGCC-3'
Protein context (NP_000107.1, residues 188-208): EFLRFKWGIG[Arg198His]LIAECHLNPI

ClinVar aggregate classification (germline): Uncertain significance (1 of 4 stars; one submission).

Conditions:
3-Methylglutaconic aciduria type 2 (BTHS). Also called: Barth syndrome; CARDIOSKELETAL MYOPATHY WITH NEUTROPENIA AND ABNORMAL MITOCHONDRIA. Identifiers: Orphanet 111, MedGen C0574083, MONDO:0010543, OMIM 302060.

Allele frequency attached by ClinVar (database versions not stated): gnomAD exomes below 0.00001 and 0.00001; ExAC 0.00001; TOPMed 0.00001; ESP Exome Variant Server 0.00009.
gnomAD v4.1: 4 of 1,211,920 alleles (0.00033%); highest among the groups gnomAD compares: Non-Finnish European, 0.00045%; no homozygotes.

Submission:

Labcorp Genetics (formerly Invitae), Labcorp
Classification: Uncertain significance for 3-Methylglutaconic aciduria type 2. Last evaluated: 2023-07-17. Review status: criteria provided, single submitter. Criteria: Invitae Variant Classification Sherloc (09022015). Collection method: clinical testing. Allele origin: germline.
Comment: ClinVar contains an entry for this variant (Variation ID: 1062906). This sequence change replaces arginine, which is basic and polar, with histidine, which is basic and polar, at codon 198 of the TAZ protein (p.Arg198His). This variant is present in population databases (rs371236390, gnomAD 0.008%). This variant has not been reported in the literature in individuals affected with TAZ-related conditions. An algorithm developed to predict the effect of missense changes on protein structure and function (PolyPhen-2) suggests that this variant is likely to be disruptive. In summary, the available evidence is currently insufficient to determine the role of this variant in disease. Therefore, it has been classified as a Variant of Uncertain Significance.